The following is an entry in ClinVar:

ClinVar aggregate classification (germline): Uncertain significance. Review status: criteria provided, multiple submitters, no conflicts (2 of 4 stars). 2 submissions from 2 submitters: Uncertain significance (2). Last evaluated 2023-05-23.

Conditions:
Ehlers-Danlos syndrome, spondylodysplastic type, 3. Also called: Ehlers-Danlos syndrome, spondylocheirodysplastic type. Identifiers: Orphanet 157965, MedGen C2676510, MONDO:0012873, OMIM 612350.

Allele frequency attached by ClinVar (database versions not stated): gnomAD exomes below 0.00001.
gnomAD v4.1: 7 of 1,614,164 alleles (0.00043%); highest among the groups gnomAD compares: Non-Finnish European, 0.00051%; no homozygotes.

Submissions (2):

Labcorp Genetics (formerly Invitae), Labcorp
Classification: Uncertain significance for Ehlers-Danlos syndrome, spondylodysplastic type, 3. Last evaluated: 2023-05-23. Review status: criteria provided, single submitter. Criteria: Invitae Variant Classification Sherloc (09022015). Collection method: clinical testing. Allele origin: germline.
Comment: Advanced modeling of protein sequence and biophysical properties (such as structural, functional, and spatial information, amino acid conservation, physicochemical variation, residue mobility, and thermodynamic stability) performed at Invitae indicates that this missense variant is not expected to disrupt SLC39A13 protein function. In summary, the available evidence is currently insufficient to determine the role of this variant in disease. Therefore, it has been classified as a Variant of Uncertain Significance. ClinVar contains an entry for this variant (Variation ID: 546665). This sequence change replaces threonine, which is neutral and polar, with isoleucine, which is neutral and non-polar, at codon 177 of the SLC39A13 protein (p.Thr177Ile). This variant is not present in population databases (gnomAD no frequency). This variant has not been reported in the literature in individuals affected with SLC39A13-related conditions.

CeGaT Center for Human Genetics Tuebingen
Classification: Uncertain significance. Last evaluated: 2018-03-01. Review status: criteria provided, single submitter. Criteria: CeGaT Center For Human Genetics Tuebingen Variant Classification Criteria Version 2. Collection method: clinical testing. Allele origin: germline. Affected: yes. Observed: 1 variant allele.

NM_001128225.3(SLC39A13):c.530C>T (p.Thr177Ile)

Gene: SLC39A13 (solute carrier family 39 member 13; plus strand). Cytogenetic location: 11p11.2.
Variant type: single nucleotide variant.
Coding change: c.530C>T on transcript NM_001128225.3 (MANE Select); coding-DNA position 530, C replaced by T.
Protein change: p.Thr177Ile; replaces threonine 177 with isoleucine.
Molecular consequence: missense variant. On other transcripts: non-coding transcript variant (1).
Genome position (GRCh38, 1-based): chr11:47,412,460, C>T. VCF-style: chr11-47412460-C-T. GRCh37 (hg19) VCF-style: chr11-47434011-C-T.
Other names: c.530C>T, p.Thr177Ile (NM_001330245.2, NM_152264.5); short protein forms T177I.
Identifiers: ClinVar variation 546665 (VCV000546665.48), dbSNP rs1555136368, ClinGen allele CA380311955.